The following is an entry in ClinVar:

NM_052947.4(ALPK2):c.2821G>C (p.Asp941His)

Gene: ALPK2 (alpha kinase 2; minus strand). Cytogenetic location: 18q21.31.
Variant type: single nucleotide variant.
Coding change: c.2821G>C on transcript NM_052947.4 (MANE Select); coding-DNA position 2821, G replaced by C.
Protein change: p.Asp941His; replaces aspartic acid 941 with histidine.
Molecular consequence: missense variant.
Genome position (GRCh38, 1-based): chr18:58,537,366, C>G on the plus strand (G>C on the coding strand, the complement: ALPK2 is on the minus strand). VCF-style: chr18-58537366-C-G. GRCh37 (hg19) VCF-style: chr18-56204598-C-G.
Other names: short protein forms D941H.
Identifiers: ClinVar variation 2449226 (VCV002449226.2), dbSNP rs2518877213, ClinGen allele CA402569706.

ClinVar aggregate classification (germline): Uncertain significance (1 of 4 stars; one submission).

Submission:

Ambry Genetics
Classification: Uncertain significance. Last evaluated: 2022-12-13. Review status: criteria provided, single submitter. Criteria: Ambry Variant Classification Scheme 2023. Collection method: clinical testing. Allele origin: germline.
Comment: The p.D941H variant (also known as c.2821G>C), located in coding exon 4 of the ALPK2 gene, results from a G to C substitution at nucleotide position 2821. The aspartic acid at codon 941 is replaced by histidine, an amino acid with similar properties. This amino acid position is conserved. In addition, this alteration is predicted to be tolerated by in silico analysis. Since supporting evidence is limited at this time, the clinical significance of this alteration remains unclear.